The following is an entry in ClinVar:

NM_000157.4(GBA1):c.1506-10T>G

Genes: GBA1 (glucosylceramidase beta 1; minus strand), LOC106627981 (GBA recombination region; plus strand). Cytogenetic location: 1q22.
Variant type: single nucleotide variant.
Coding change: c.1506-10T>G on transcript NM_000157.4 (MANE Select); 10 bases into the intron before coding-DNA position 1506, T replaced by G.
Molecular consequence: intron variant.
Genome position (GRCh38, 1-based): chr1:155,235,110, A>C on the plus strand (T>G on the coding strand, the complement: GBA1 is on the minus strand). VCF-style: chr1-155235110-A-C. GRCh37 (hg19) VCF-style: chr1-155204901-A-C.
Other names: p.?; c.1245-10T>G (NM_001171811.2); c.1506-10T>G (NM_001005742.3, NM_001005741.3); c.1359-10T>G (NM_001171812.2).
Identifiers: ClinVar variation 4683489 (VCV004683489.1).

ClinVar aggregate classification (germline): Likely benign (1 of 4 stars; one submission).

Submission:

Mayo Clinic Laboratories, Mayo Clinic
Classification: Likely benign. Last evaluated: 2025-06-10. Review status: criteria provided, single submitter. Criteria: ACMG Guidelines, 2015. Collection method: clinical testing. Allele origin: germline. Observed: 3 variant alleles.
Comment: BP4, BP7